The following is an entry in ClinVar:

ClinVar aggregate classification (germline): Pathogenic (1 of 4 stars; one submission).

Submission:

Labcorp Genetics (formerly Invitae), Labcorp
Classification: Pathogenic. Last evaluated: 2023-01-30. Review status: criteria provided, single submitter. Criteria: Invitae Variant Classification Sherloc (09022015). Collection method: clinical testing. Allele origin: unknown.
Comment: For these reasons, this variant has been classified as Pathogenic. This variant has not been reported in the literature in individuals affected with TMEM38B-related conditions. This variant is a gross deletion of the genomic region encompassing exon(s) 2 of the TMEM38B gene. This deletion is out-of-frame, and is expected to create a premature termination codon and result in an absent or disrupted protein product. Loss-of-function variants in TMEM38B are known to be pathogenic (PMID: 17611541, 23054245).

Literature cited by the submitters: PubMed 17611541; PubMed 23054245.

NC_000009.11:g.(?_108467858)_(108468054_?)del

Gene: TMEM38B (transmembrane protein 38B; plus strand). Cytogenetic location: 9q31.2.
Variant type: Deletion.
Identifiers: ClinVar variation 3245359 (VCV003245359.1).